The following is an entry in ClinVar:

NM_017654.4(SAMD9):c.1090G>A (p.Ala364Thr)

Gene: SAMD9 (sterile alpha motif domain containing 9; minus strand). Cytogenetic location: 7q21.2.
Variant type: single nucleotide variant.
Coding change: c.1090G>A on transcript NM_017654.4 (MANE Select); coding-DNA position 1090, G replaced by A.
Protein change: p.Ala364Thr; replaces alanine 364 with threonine.
Molecular consequence: missense variant.
Genome position (GRCh38, 1-based): chr7:93,105,008, C>T on the plus strand (G>A on the coding strand, the complement: SAMD9 is on the minus strand). VCF-style: chr7-93105008-C-T. GRCh37 (hg19) VCF-style: chr7-92734321-C-T.
Other names: c.1090G>A, p.Ala364Thr (NM_001193307.2); short protein forms A364T.
Identifiers: ClinVar variation 4863880 (VCV004863880.1).

ClinVar aggregate classification (germline): Uncertain significance (1 of 4 stars; one submission).

Conditions:
Inborn genetic diseases. Identifiers: MedGen C0950123, MeSH D030342.

Submission:

Ambry Genetics
Classification: Uncertain significance for Inborn genetic diseases. Last evaluated: 2026-05-28. Review status: criteria provided, single submitter. Criteria: Ambry Variant Classification Scheme 2023. Collection method: clinical testing. Allele origin: germline.
Comment: The p.A364T variant (also known as c.1090G>A), located in coding exon 1 of the SAMD9 gene, results from a G to A substitution at nucleotide position 1090. The alanine at codon 364 is replaced by threonine, an amino acid with similar properties. This amino acid position is conserved. In addition, this alteration is predicted to be tolerated by in silico analysis. Based on the available evidence, the clinical significance of this variant remains unclear.